The following is an entry in ClinVar:

NM_006015.6(ARID1A):c.380G>A (p.Gly127Asp)

Gene: ARID1A (AT-rich interaction domain 1A; plus strand). Cytogenetic location: 1p36.11.
Variant type: single nucleotide variant.
Coding change: c.380G>A on transcript NM_006015.6 (MANE Select); coding-DNA position 380, G replaced by A.
Protein change: p.Gly127Asp; replaces glycine 127 with aspartic acid.
Molecular consequence: missense variant.
Genome position (GRCh38, 1-based): chr1:26,696,783, G>A. VCF-style: chr1-26696783-G-A. GRCh37 (hg19) VCF-style: chr1-27023274-G-A.
Other names: c.380G>A, p.Gly127Asp (NM_139135.4); short protein forms G127D.
Identifiers: ClinVar variation 1700747 (VCV001700747.2), dbSNP rs2124741608, ClinGen allele CA339265009.
Genomic context (GRCh38, chr1:26,696,783, plus strand): 5'-CGGGCCCTAGGCCCGCCCTGAACAATAACCTCACGGAGCCGCCCGGCGGCGGCGGTGGCG[G>A]CAGCAGCGATGGGGTGGGGGCGCCTCCTCACTCAGCCGCGGCCGCCTTGCCGCCCCCAGC-3'
Protein context (NP_006006.3, residues 117-137): LTEPPGGGGG[Gly127Asp]SSDGVGAPPH

ClinVar aggregate classification (germline): Uncertain significance (1 of 4 stars; one submission).

Allele frequency attached by ClinVar (database versions not stated): gnomAD exomes below 0.00001.
gnomAD v4.1: 3 of 1,338,942 alleles (0.00022%); highest among the groups gnomAD compares: South Asian, 0.0021%; no homozygotes.

Submission:

GeneDx
Classification: Uncertain significance. Last evaluated: 2022-02-14. Review status: criteria provided, single submitter. Criteria: GeneDx Variant Classification Process June 2021. Collection method: clinical testing. Allele origin: germline. Affected: yes.
Comment: In silico analysis supports that this missense variant does not alter protein structure/function; Has not been previously published as pathogenic or benign to our knowledge